The following is an entry in ClinVar:

NM_057176.3(BSND):c.401C>A (p.Pro134His)

Gene: BSND (barttin CLCNK type accessory subunit beta; plus strand). Cytogenetic location: 1p32.3.
Variant type: single nucleotide variant.
Coding change: c.401C>A on transcript NM_057176.3 (MANE Select); coding-DNA position 401, C replaced by A.
Protein change: p.Pro134His; replaces proline 134 with histidine.
Molecular consequence: missense variant.
Genome position (GRCh38, 1-based): chr1:55,007,125, C>A. VCF-style: chr1-55007125-C-A. GRCh37 (hg19) VCF-style: chr1-55472798-C-A.
Other names: short protein forms P134H.
Identifiers: ClinVar variation 4534958 (VCV004534958.6).

ClinVar aggregate classification (germline): Uncertain significance (1 of 4 stars; one submission).

Submission:

CeGaT Center for Human Genetics Tuebingen
Classification: Uncertain significance. Last evaluated: 2025-11-01. Review status: criteria provided, single submitter. Criteria: CeGaT Center For Human Genetics Tuebingen Variant Classification Criteria Version 2. Collection method: clinical testing. Allele origin: germline. Affected: yes. Observed: 1 variant allele.
Comment: BSND: PM2, BP4